The following is an entry in ClinVar:

ClinVar aggregate classification (germline): Pathogenic/Likely pathogenic. Review status: criteria provided, multiple submitters, no conflicts (2 of 4 stars). 7 submissions from 7 submitters: Pathogenic (2); Likely pathogenic (4). 1 of the submissions does not count toward it. Last evaluated 2026-01-12.

Conditions:
Hereditary leiomyomatosis and renal cell cancer. Also called: Multiple cutaneous leiomyomas; MULTIPLE CUTANEOUS AND UTERINE LEIOMYOMATA 1, WITH OR WITHOUT RENAL CELL CARCINOMA; FH tumor predisposition syndrome; LEIOMYOMA, MULTIPLE CUTANEOUS; Reed syndrome; Multiple cutaneous and uterine leiomyomatosis. Identifiers: Orphanet 523, MedGen C1708350, MONDO:0007888, OMIM 150800, HP:0007437. Disease mechanism: loss of function.
Hereditary cancer-predisposing syndrome. Also called: Tumor predisposition; Hereditary neoplastic syndrome; Neoplastic Syndromes, Hereditary; Hereditary Cancer Syndrome. Identifiers: Orphanet 140162, MedGen C0027672, MeSH D009386, MONDO:0015356.
Fumarase deficiency (FMRD). Also called: Fumaric aciduria; Fumarate Hydratase Deficiency. Identifiers: Orphanet 24, MedGen C0342770, MONDO:0011730, OMIM 606812.

Allele frequency attached by ClinVar (database versions not stated): gnomAD exomes below 0.00001.
gnomAD v4.1: 5 of 1,613,518 alleles (0.00031%); highest among the groups gnomAD compares: Non-Finnish European, 0.00034%; no homozygotes.

Submissions (7):

Natera, Inc.
Classification: Likely pathogenic for Fumarase Deficiency. Last evaluated: 2026-01-12. Review status: criteria provided, single submitter. Criteria: Natera Variant Classification Schema (03/2026). Collection method: clinical testing. Allele origin: germline.
Comment: The c.1390+1G>T variant in FH is a canonical splice donor site variant predicted to affect pre-mRNA splicing, which may result in an abnormal transcript and altered protein product. This variant is expected to result in nonsense mediated decay, truncation, or a dysfunctional protein product. This variant is rare in the general population with a frequency below the threshold expected for the associated phenotype(s). This variant has been observed in one or more individuals affected with the associated recessive disease, as either homozygous or compound heterozygous with a second variant (PMID: 27541980). Additionally, this variant has been observed to segregate in affected family members (PMID: 27541980). Given the available evidence, this variant is classified as Likely Pathogenic.

Ambry Genetics
Classification: Likely pathogenic for Hereditary cancer-predisposing syndrome. Last evaluated: 2025-11-18. Review status: criteria provided, single submitter. Criteria: Ambry Variant Classification Scheme 2023. Collection method: clinical testing. Allele origin: germline.
Comment: The c.1390+1G>T intronic variant results from a G to T substitution one nucleotide after coding exon 9 of the FH gene. This nucleotide position is highly conserved in available vertebrate species. This variant has been confirmed in trans with another pathogenic variant in FH in two sisters with clinical features of FH Deficiency (Prasad C et al. Clin Dysmorphol. 2017 Apr;26(2):117-120). This variant is considered to be rare based on population cohorts in the Genome Aggregation Database (gnomAD). In silico splice site analysis predicts that this alteration will weaken the native splice donor site and will result in the creation or strengthening of a novel splice donor site. RNA studies have demonstrated that this alteration results in abnormal splicing in the set of samples tested (Ambry internal data). Based on the majority of available evidence to date, this variant is likely to be pathogenic.

Labcorp Genetics (formerly Invitae), Labcorp
Classification: Pathogenic. Last evaluated: 2024-06-10. Review status: criteria provided, single submitter. Criteria: Invitae Variant Classification Sherloc (09022015). Collection method: clinical testing. Allele origin: germline.
Comment: This sequence change affects a donor splice site in intron 9 of the FH gene. RNA analysis indicates that disruption of this splice site induces altered splicing and likely disrupts the C-terminus of the protein. This variant is not present in population databases (gnomAD no frequency). Disruption of this splice site has been observed in individual(s) with clinical features of autosomal dominant FH tumor predisposition syndrome and autosomal recessive fumarate hydratase deficiency. (PMID: 27541980; Invitae; external communication). It has also been observed to segregate with disease in related individuals. ClinVar contains an entry for this variant (Variation ID: 265150). Variants that disrupt the consensus splice site are a relatively common cause of aberrant splicing (PMID: 17576681, 9536098). Studies have shown that disruption of this splice site results in activation of cryptic splice sites and intron retention and introduces a new termination codon (Invitae). However the mRNA is not expected to undergo nonsense-mediated decay. This variant disrupts a region of the FH protein in which other variant(s) (p.Trp500*) have been determined to be pathogenic (PMID: 9635293, 21398687; Invitae). This suggests that this is a clinically significant region of the protein, and that variants that disrupt it are likely to be disease-causing. For these reasons, this variant has been classified as Pathogenic.

Myriad Genetics, Inc.
Classification: Likely pathogenic for Hereditary leiomyomatosis and renal cell cancer. Last evaluated: 2023-07-05. Review status: criteria provided, single submitter. Criteria: Myriad Autosomal Dominant, Autosomal Recessive and X-Linked Classification Criteria (2023). Collection method: clinical testing. Allele origin: unknown.
Comment: This variant is considered likely pathogenic. This variant occurs within a consensus splice junction and is predicted to result in abnormal mRNA splicing of either an out-of-frame exon or an in-frame exon necessary for protein stability and/or normal function.

Baylor Genetics
Classification: Likely pathogenic for Fumarase deficiency. Last evaluated: 2023-05-29. Review status: criteria provided, single submitter. Criteria: ACMG Guidelines, 2015. Collection method: clinical testing. Allele origin: unknown.

GeneDx
Classification: Pathogenic. Last evaluated: 2018-08-21. Review status: criteria provided, single submitter. Criteria: GeneDx Variant Classification (06012015). Collection method: clinical testing. Allele origin: germline. Affected: yes.
Comment: The c.1390+1G>T pathogenic variant in the FH gene has not been reported previously as a pathogenic variant nor as a benign variant, to our knowledge. This splice site variant destroys the canonical splice donor site in intron 9. It is predicted to cause abnormal gene splicing, either leading to an abnormal message that is subject to nonsense-mediated mRNA decay, or to an abnormal protein product if the message is used for protein translation. The c.1390+1G>T variant was not observed in approximately 6,500 individuals of European and African American ancestry in the NHLBI Exome Sequencing Project, indicating it is not a common benign variant in these populations. We interpret c.1390+1G>T as a pathogenic variant.

OMIM
Classification: Pathogenic for FUMARASE DEFICIENCY. Last evaluated: 2020-08-06. Review status: no assertion criteria provided. Collection method: literature only. Allele origin: germline. Not counted in ClinVar's aggregate classification.

Literature cited by the submitters: PubMed 27541980 (cited by 4 submitters); PubMed 17576681 (cited by Labcorp Genetics (formerly Invitae), Labcorp); PubMed 9536098 (cited by Labcorp Genetics (formerly Invitae), Labcorp); PubMed 9635293 (cited by Labcorp Genetics (formerly Invitae), Labcorp); PubMed 21398687 (cited by Labcorp Genetics (formerly Invitae), Labcorp).

NM_000143.4(FH):c.1390+1G>T

Gene: FH (fumarate hydratase; minus strand). Cytogenetic location: 1q43.
Variant type: single nucleotide variant.
Coding change: c.1390+1G>T on transcript NM_000143.4 (MANE Select); the canonical splice donor site of the intron after coding-DNA position 1390, G replaced by T.
Molecular consequence: splice donor variant.
Genome position (GRCh38, 1-based): chr1:241,500,436, C>A on the plus strand (G>T on the coding strand, the complement: FH is on the minus strand). VCF-style: chr1-241500436-C-A. GRCh37 (hg19) VCF-style: chr1-241663736-C-A.
Other names: IVS9DS, G-T, +1.
Identifiers: ClinVar variation 265150 (VCV000265150.21), dbSNP rs886039367, ClinGen allele CA10588288.
Genomic context (GRCh38, chr1:241,500,436, plus strand): 5'-AAAATGGTTTAGCTTTTTAATTTTGCATTCAAAATGATATTATTATTCCTTAAACACTTA[C>A]CTATATGAGGATTGAGAGCTGTCACCAACATTAGAGACTCATTCATCAGCTTGTTGATCC-3'